The following is an entry in ClinVar:

ClinVar aggregate classification (germline): Conflicting classifications of pathogenicity. Review status: criteria provided, conflicting classifications (1 of 4 stars). 7 submissions from 7 submitters: Uncertain significance (2); Benign (2); Likely benign (2). 1 of the submissions does not count toward it. Last evaluated 2026-01-28.

Conditions:
Autosomal recessive nonsyndromic hearing loss 3. Also called: NEUROSENSORY NONSYNDROMIC RECESSIVE DEAFNESS 3. Identifiers: Orphanet 90636, MedGen C1838263, MONDO:0010860, OMIM 600316.
MYO15A-related disorder. Also called: MYO15A-related condition.
Inborn genetic diseases. Identifiers: MedGen C0950123, MeSH D030342.

Allele frequency attached by ClinVar (database versions not stated): gnomAD exomes 0.00010 and 0.00026; ExAC 0.00028; 1000 Genomes Project 30x 0.00047; 1000 Genomes Project 0.00060; ESP Exome Variant Server 0.00087; gnomAD 0.00091 and 0.00099; TOPMed 0.00105.
gnomAD v4.1: 301 of 1,611,984 alleles (0.019%); highest among the groups gnomAD compares: African/African-American, 0.35%; no homozygotes.

Submissions (7):

Labcorp Genetics (formerly Invitae), Labcorp
Classification: Benign. Last evaluated: 2026-01-28. Review status: criteria provided, single submitter. Criteria: Invitae Variant Classification Sherloc (09022015). Collection method: clinical testing. Allele origin: germline.

Blueprint Genetics
Classification: Likely benign. Last evaluated: 2024-09-23. Review status: criteria provided, single submitter. Criteria: ACMG Guidelines, 2015. Collection method: clinical testing. Allele origin: germline.

Ambry Genetics
Classification: Uncertain significance for Inborn genetic diseases. Last evaluated: 2024-08-07. Review status: criteria provided, single submitter. Criteria: Ambry Variant Classification Scheme 2023. Collection method: clinical testing. Allele origin: germline.

GeneDx
Classification: Benign. Last evaluated: 2020-11-27. Review status: criteria provided, single submitter. Criteria: GeneDx Variant Classification Process June 2021. Collection method: clinical testing. Allele origin: germline. Affected: yes.

Illumina Laboratory Services, Illumina
Classification: Uncertain significance for Autosomal recessive nonsyndromic hearing loss 3. Last evaluated: 2018-01-13. Review status: criteria provided, single submitter. Criteria: ICSL Variant Classification Criteria 13 December 2019. Collection method: clinical testing. Allele origin: germline.

Laboratory for Molecular Medicine, Mass General Brigham Personalized Medicine
Classification: Likely benign. Last evaluated: 2016-08-24. Review status: criteria provided, single submitter. Criteria: LMM Criteria. Collection method: clinical testing. Allele origin: germline. Observed: 1 variant allele.
Comment: p.Asp237Asn in exon 2 of MYO15A: This variant is not expected to have clinical s ignificance because it has been identified in 0.3% (32/9332) of African chromoso mes by the Exome Aggregation Consortium (ExAC; d bSNP rs201737186).

PreventionGenetics, part of Exact Sciences
Classification: Likely benign for MYO15A-related condition. Last evaluated: 2023-08-16. Review status: no assertion criteria provided. Collection method: clinical testing. Allele origin: germline. Not counted in ClinVar's aggregate classification.
Comment: This variant is classified as likely benign based on ACMG/AMP sequence variant interpretation guidelines (Richards et al. 2015 PMID: 25741868, with internal and published modifications).

NM_016239.4(MYO15A):c.709G>A (p.Asp237Asn)

Gene: MYO15A (myosin XVA; plus strand). Cytogenetic location: 17p11.2.
Variant type: single nucleotide variant.
Coding change: c.709G>A on transcript NM_016239.4 (MANE Select); coding-DNA position 709, G replaced by A.
Protein change: p.Asp237Asn; replaces aspartic acid 237 with asparagine.
Molecular consequence: missense variant.
Genome position (GRCh38, 1-based): chr17:18,119,509, G>A. VCF-style: chr17-18119509-G-A. GRCh37 (hg19) VCF-style: chr17-18022823-G-A.
Other names: short protein forms D237N.
Identifiers: ClinVar variation 504628 (VCV000504628.21), dbSNP rs201737186, ClinGen allele CA8422915.